The following is an entry in ClinVar:

ClinVar aggregate classification (germline): Benign/Likely benign. Review status: criteria provided, multiple submitters, no conflicts (2 of 4 stars). 15 submissions from 11 submitters: Benign (3); Likely benign (10). 2 of the submissions do not count toward it. Last evaluated 2026-07-01.

Conditions:
Inborn genetic diseases. Identifiers: MedGen C0950123, MeSH D030342.
Hereditary cryohydrocytosis with reduced stomatin. Also called: Stomatin-deficient cryohydrocytosis with neurologic defects; GLUT1 DEFICIENCY SYNDROME WITH PSEUDOHYPERKALEMIA AND HEMOLYSIS. Identifiers: Orphanet 168577, MedGen C1837206, MONDO:0012143, OMIM 608885.
Dystonia 9 (DYT9). Also called: CHOREOATHETOSIS, KINESIGENIC, WITH EPISODIC ATAXIA AND SPASTICITY. Identifiers: Orphanet 53583, MedGen C1832855, MONDO:0010983, OMIM 601042.
Epilepsy, idiopathic generalized, susceptibility to, 12 (EIG12). Identifiers: MedGen C3553859, MONDO:0013919, OMIM 614847.
Encephalopathy due to GLUT1 deficiency. Also called: Classic Glucose Transporter Type 1 Deficiency Syndrome; GLUCOSE TRANSPORT DEFECT, BLOOD-BRAIN BARRIER; Glucose transporter protein syndrome; De Vivo disease; GLUT1 deficiency syndrome 1; GLUT1 deficiency syndrome 1, infantile onset, severe. Identifiers: Orphanet 71277, MedGen C4551966, MONDO:0011724, OMIM 606777.
GLUT1 deficiency syndrome 1, autosomal recessive. Identifiers: MedGen C3149117.
Childhood onset GLUT1 deficiency syndrome 2. Also called: PxMD-SLC2A1; Exertion-induced paroxysmal dyskinesia; PAROXYSMAL EXERCISE-INDUCED DYSKINESIA WITH OR WITHOUT EPILEPSY AND/OR HEMOLYTIC ANEMIA; PAROXYSMAL EXERTION-INDUCED DYSTONIA WITH OR WITHOUT EPILEPSY AND/OR HEMOLYTIC ANEMIA; PED WITH OR WITHOUT EPILEPSY AND/OR HEMOLYTIC ANEMIA; Paroxysmal exercise-induced dystonia. Identifiers: Orphanet 98811, MedGen C1842534, MONDO:0012805, OMIM 612126.

Allele frequency attached by ClinVar (database versions not stated): gnomAD exomes 0.00015 and 0.00026; ExAC 0.00039; ESP Exome Variant Server 0.00092; gnomAD 0.00098 and 0.00102; TOPMed 0.00116; 1000 Genomes Project 0.00140; 1000 Genomes Project 30x 0.00141.

Submissions (15):

CeGaT Center for Human Genetics Tuebingen
Classification: Likely benign. Last evaluated: 2026-07-01. Review status: criteria provided, single submitter. Criteria: CeGaT Center For Human Genetics Tuebingen Variant Classification Criteria Version 2. Collection method: clinical testing. Allele origin: germline. Affected: yes. Observed: 5 variant alleles.
Comment: SLC2A1: BP4, BP7

Labcorp Genetics (formerly Invitae), Labcorp
Classification: Benign for GLUT1 deficiency syndrome 1, autosomal recessive. Last evaluated: 2026-01-28. Review status: criteria provided, single submitter. Criteria: Invitae Variant Classification Sherloc (09022015). Collection method: clinical testing. Allele origin: germline.

ARUP Laboratories, Molecular Genetics and Genomics, ARUP Laboratories
Classification: Likely benign. Last evaluated: 2025-03-13. Review status: criteria provided, single submitter. Criteria: ARUP Molecular Germline Variant Investigation Process 2024. Collection method: clinical testing. Allele origin: germline.

Blueprint Genetics
Classification: Likely benign. Last evaluated: 2024-10-02. Review status: criteria provided, single submitter. Criteria: ACMG Guidelines, 2015. Collection method: clinical testing. Allele origin: germline.

Athena Diagnostics
Classification: Benign. Last evaluated: 2023-11-08. Review status: criteria provided, single submitter. Criteria: Athena Diagnostics Criteria. Collection method: clinical testing. Allele origin: unknown.

Genome-Nilou Lab
Classification: Likely benign for Epilepsy, idiopathic generalized, susceptibility to, 12. Last evaluated: 2023-04-11. Review status: criteria provided, single submitter. Criteria: ACMG Guidelines, 2015. Collection method: clinical testing. Allele origin: germline. Affected: no.

Genome-Nilou Lab
Classification: Likely benign for Dystonia 9. Last evaluated: 2023-04-11. Review status: criteria provided, single submitter. Criteria: ACMG Guidelines, 2015. Collection method: clinical testing. Allele origin: germline. Affected: no.

Genome-Nilou Lab
Classification: Likely benign for Encephalopathy due to GLUT1 deficiency. Last evaluated: 2023-04-11. Review status: criteria provided, single submitter. Criteria: ACMG Guidelines, 2015. Collection method: clinical testing. Allele origin: germline. Affected: no.

Genome-Nilou Lab
Classification: Likely benign for Childhood onset GLUT1 deficiency syndrome 2. Last evaluated: 2023-04-11. Review status: criteria provided, single submitter. Criteria: ACMG Guidelines, 2015. Collection method: clinical testing. Allele origin: germline. Affected: no.

Genome-Nilou Lab
Classification: Likely benign for Hereditary cryohydrocytosis with reduced stomatin. Last evaluated: 2023-04-11. Review status: criteria provided, single submitter. Criteria: ACMG Guidelines, 2015. Collection method: clinical testing. Allele origin: germline. Affected: no.

Ambry Genetics
Classification: Likely benign for Inborn genetic diseases. Last evaluated: 2017-01-16. Review status: criteria provided, single submitter. Criteria: Ambry Variant Classification Scheme 2023. Collection method: clinical testing. Allele origin: germline.

Eurofins Ntd Llc (ga)
Classification: Likely benign. Last evaluated: 2015-05-04. Review status: criteria provided, single submitter. Criteria: EGL Classification Definitions 2015. Collection method: clinical testing. Allele origin: germline. Observed: 1 variant allele, 1 heterozygote.

GeneDx
Classification: Benign. Last evaluated: 2013-03-08. Review status: criteria provided, single submitter. Criteria: GeneDx Variant Classification (06012015). Collection method: clinical testing. Allele origin: germline. Affected: yes.
Comment: This variant is considered likely benign or benign based on one or more of the following criteria: it is a conservative change, it occurs at a poorly conserved position in the protein, it is predicted to be benign by multiple in silico algorithms, and/or has population frequency not consistent with disease.

Clinical Genetics DNA and cytogenetics Diagnostics Lab, Erasmus MC, Erasmus Medical Center
Classification: Likely benign. Review status: no assertion criteria provided. Collection method: clinical testing. Allele origin: germline. Affected: yes. Study: VKGL Data-share Consensus. Not counted in ClinVar's aggregate classification.

Genome Diagnostics Laboratory, University Medical Center Utrecht
Classification: Benign. Review status: no assertion criteria provided. Collection method: clinical testing. Allele origin: germline. Affected: yes. Study: VKGL Data-share Consensus. Not counted in ClinVar's aggregate classification.

Literature cited by the submitters: PubMed 27843123 (cited by Athena Diagnostics).

NM_006516.4(SLC2A1):c.507C>T (p.Leu169=)

Gene: SLC2A1 (solute carrier family 2 member 1; minus strand). Cytogenetic location: 1p34.2.
Variant type: single nucleotide variant.
Coding change: c.507C>T on transcript NM_006516.4 (MANE Select); coding-DNA position 507, C replaced by T.
Protein change: p.Leu169=; no amino-acid change (leucine 169 retained).
Molecular consequence: synonymous variant.
Genome position (GRCh38, 1-based): chr1:42,930,635, G>A on the plus strand (C>T on the coding strand, the complement: SLC2A1 is on the minus strand). VCF-style: chr1-42930635-G-A. GRCh37 (hg19) VCF-style: chr1-43396306-G-A.
Other names: p.L169L:CTC>CTT.
Identifiers: ClinVar variation 139158 (VCV000139158.47), dbSNP rs115541691, ClinGen allele CA019207.
Genomic context (GRCh38, chr1:42,930,635, plus strand): 5'-GAAGCTGTGGGCAGGGGCCGTGCCAGGCAGGTAGATCCTGCCCCAGCTTACCTGGGCGAT[G>A]AGGATGCCGACGACGATGCCCAGCTGGTGCAGGGTGCCCAGGGCCCCACGAAGGGCTGTG-3'
Protein context (NP_006507.2, residues 159-179): LHQLGIVVGI[Leu169=]IAQVFGLDSI